The following is an entry in ClinVar:

NM_001003722.2(GLE1):c.433-17_433-10del

Gene: GLE1 (GLE1 RNA export mediator; plus strand). Cytogenetic location: 9q34.11.
Variant type: Deletion.
Coding change: c.433-17_433-10del on transcript NM_001003722.2 (MANE Select); 17 bases into the intron before coding-DNA position 433 through 10 bases into the intron before coding-DNA position 433, 8 bases deleted (AAAAAAAA; older notation c.433-17_433-10delAAAAAAAA).
Molecular consequence: intron variant.
Genome position (GRCh38, 1-based): chr9:128,522,651-128,522,658, AAAAAAAA deleted; deleting any 8 consecutive bases within chr9:128,522,636-128,522,658 gives the same sequence; the c. name uses the placement nearest the transcript's 3' end. VCF-style (leftmost placement, unchanged base first): chr9-128522635-TAAAAAAAA-T. GRCh37 (hg19) VCF-style: chr9-131284914-TAAAAAAAA-T.
Other names: c.433-17_433-10del (NM_001499.2, NM_001411013.1).
Identifiers: ClinVar variation 4989122 (VCV004989122.1).

ClinVar aggregate classification (germline): Likely benign (1 of 4 stars; one submission).

Conditions:
GLE1-related disorder. Also called: GLE1-related disorders; GLE1-related condition.

Submission:

PreventionGenetics, part of Exact Sciences
Classification: Likely benign for GLE1-related condition. Last evaluated: 2026-04-09. Review status: criteria provided, single submitter. Criteria: ACMG Guidelines, 2015. Collection method: clinical testing. Allele origin: germline.
Comment: This variant is classified as likely benign based on ACMG/AMP sequence variant interpretation guidelines (Richards et al. 2015 PMID: 25741868, with internal and published modifications).